The following is an entry in ClinVar:

ClinVar aggregate classification (germline): Likely benign. Review status: criteria provided, multiple submitters, no conflicts (2 of 4 stars). 3 submissions from 3 submitters: Likely benign (3). Last evaluated 2025-12-01.

Conditions:
Autosomal recessive limb-girdle muscular dystrophy type 2J (LGMDR10). Also called: Limb-girdle muscular dystrophy, type 2J; MUSCULAR DYSTROPHY, LIMB-GIRDLE, AUTOSOMAL RECESSIVE 10. Identifiers: Orphanet 140922, MedGen C1837342, MONDO:0012127, OMIM 608807.
Dilated cardiomyopathy 1G (CMD1G). Identifiers: Orphanet 154, MedGen C1858763, MONDO:0011400, OMIM 604145.

Allele frequency attached by ClinVar (database versions not stated): TOPMed below 0.00001; gnomAD 0.00001; gnomAD exomes 0.00002.
gnomAD v4.1: 9 of 1,613,532 alleles (0.00056%); highest among the groups gnomAD compares: Admixed American, 0.0067%; no homozygotes.

Submissions (3):

CeGaT Center for Human Genetics Tuebingen
Classification: Likely benign. Last evaluated: 2025-12-01. Review status: criteria provided, single submitter. Criteria: CeGaT Center For Human Genetics Tuebingen Variant Classification Criteria Version 2. Collection method: clinical testing. Allele origin: germline. Affected: yes. Observed: 1 variant allele.
Comment: TTN: BP4, BP7

Labcorp Genetics (formerly Invitae), Labcorp
Classification: Likely benign for Dilated cardiomyopathy 1G; Autosomal recessive limb-girdle muscular dystrophy type 2J. Last evaluated: 2025-03-31. Review status: criteria provided, single submitter. Criteria: Invitae Variant Classification Sherloc (09022015). Collection method: clinical testing. Allele origin: germline.

GeneDx
Classification: Likely benign. Last evaluated: 2018-04-03. Review status: criteria provided, single submitter. Criteria: GeneDx Variant Classification (06012015). Collection method: clinical testing. Allele origin: germline. Affected: yes.
Comment: This variant is considered likely benign or benign based on one or more of the following criteria: it is a conservative change, it occurs at a poorly conserved position in the protein, it is predicted to be benign by multiple in silico algorithms, and/or has population frequency not consistent with disease.

NM_001267550.2(TTN):c.80535T>C (p.Ser26845=)

Genes: TTN (titin; minus strand), TTN-AS1 (TTN antisense RNA 1; plus strand). Cytogenetic location: 2q31.2.
Variant type: single nucleotide variant.
Coding change: c.80535T>C on transcript NM_001267550.2 (MANE Select); coding-DNA position 80535, T replaced by C.
Protein change: p.Ser26845=; no amino-acid change (serine 26845 retained).
Molecular consequence: synonymous variant.
Genome position (GRCh38, 1-based): chr2:178,565,597, A>G on the plus strand (T>C on the coding strand, the complement: TTN is on the minus strand). VCF-style: chr2-178565597-A-G. GRCh37 (hg19) VCF-style: chr2-179430324-A-G.
Other names: c.75612T>C, p.Ser25204= (NM_001256850.1); c.53340T>C, p.Ser17780= (NM_003319.4); c.72831T>C, p.Ser24277= (NM_133378.4); c.53715T>C, p.Ser17905= (NM_133432.3); c.53916T>C, p.Ser17972= (NM_133437.4).
Identifiers: ClinVar variation 681730 (VCV000681730.8), dbSNP rs1422087402, ClinGen allele CA430251599.